The following is an entry in ClinVar:

NM_203446.3(SYNJ1):c.2792T>C (p.Ile931Thr)

Gene: SYNJ1 (synaptojanin 1; minus strand). Cytogenetic location: 21q22.11.
Variant type: single nucleotide variant.
Coding change: c.2792T>C on transcript NM_203446.3 (MANE Select); coding-DNA position 2792, T replaced by C.
Protein change: p.Ile931Thr; replaces isoleucine 931 with threonine.
Molecular consequence: missense variant.
Genome position (GRCh38, 1-based): chr21:32,656,690, A>G on the plus strand (T>C on the coding strand, the complement: SYNJ1 is on the minus strand). VCF-style: chr21-32656690-A-G. GRCh37 (hg19) VCF-style: chr21-34029000-A-G.
Other names: c.2792T>C, p.Ile931Thr (NM_001160302.2); c.2777T>C, p.Ile926Thr (NM_001160306.2); c.2909T>C, p.Ile970Thr (NM_003895.4); short protein forms I970T, I931T, I926T.
Identifiers: ClinVar variation 544555 (VCV000544555.6), dbSNP rs932390799, ClinGen allele CA319425769.

ClinVar aggregate classification (germline): Uncertain significance (1 of 4 stars; one submission).

Conditions:
Early-onset Parkinson disease 20. Also called: PARKINSON DISEASE 20, AUTOSOMAL RECESSIVE EARLY-ONSET. Identifiers: Orphanet 391411, MedGen C3809824, MONDO:0014233, OMIM 615530.
Developmental and epileptic encephalopathy, 53. Also called: Epileptic encephalopathy, early infantile, 53. Identifiers: MedGen C4479313, MONDO:0033362, OMIM 617389.

Allele frequency attached by ClinVar (database versions not stated): gnomAD exomes 0.00002; gnomAD 0.00003 and 0.00004; TOPMed 0.00003.
gnomAD v4.1: 52 of 1,611,524 alleles (0.0032%); highest among the groups gnomAD compares: African/African-American, 0.0053%; no homozygotes.

Submission:

Labcorp Genetics (formerly Invitae), Labcorp
Classification: Uncertain significance for Developmental and epileptic encephalopathy, 53; Early-onset Parkinson disease 20. Last evaluated: 2022-06-22. Review status: criteria provided, single submitter. Criteria: Invitae Variant Classification Sherloc (09022015). Collection method: clinical testing. Allele origin: germline.
Comment: This sequence change replaces isoleucine, which is neutral and non-polar, with threonine, which is neutral and polar, at codon 970 of the SYNJ1 protein (p.Ile970Thr). This variant is present in population databases (no rsID available, gnomAD 0.03%). This variant has not been reported in the literature in individuals affected with SYNJ1-related conditions. ClinVar contains an entry for this variant (Variation ID: 544555). Algorithms developed to predict the effect of missense changes on protein structure and function (SIFT, PolyPhen-2, Align-GVGD) all suggest that this variant is likely to be disruptive. In summary, the available evidence is currently insufficient to determine the role of this variant in disease. Therefore, it has been classified as a Variant of Uncertain Significance.